The following is an entry in ClinVar:

NM_013436.5(NCKAP1):c.626C>G (p.Ser209Cys)

Gene: NCKAP1 (NCK associated protein 1; minus strand). Cytogenetic location: 2q32.1.
Variant type: single nucleotide variant.
Coding change: c.626C>G on transcript NM_013436.5 (MANE Select); coding-DNA position 626, C replaced by G.
Protein change: p.Ser209Cys; replaces serine 209 with cysteine.
Molecular consequence: missense variant.
Genome position (GRCh38, 1-based): chr2:182,995,816, G>C on the plus strand (C>G on the coding strand, the complement: NCKAP1 is on the minus strand). VCF-style: chr2-182995816-G-C. GRCh37 (hg19) VCF-style: chr2-183860544-G-C.
Other names: c.620C>G, p.Ser207Cys (NM_001437266.1); c.638C>G, p.Ser213Cys (NM_001437267.1); c.644C>G, p.Ser215Cys (NM_205842.3); short protein forms S207C, S209C, S213C, S215C.
Identifiers: ClinVar variation 5018236 (VCV005018236.1).

ClinVar aggregate classification (germline): Uncertain significance (1 of 4 stars; one submission).

Submission:

GeneDx
Classification: Uncertain significance. Last evaluated: 2026-04-09. Review status: criteria provided, single submitter. Criteria: GeneDx Variant Classification Process June 2021. Collection method: clinical testing. Allele origin: germline.
Comment: Not observed at significant frequency in large population cohorts (gnomAD); In silico analysis supports that this missense variant has a deleterious effect on protein structure/function; Has not been previously published as pathogenic or benign to our knowledge